The following is an entry in ClinVar:

ClinVar aggregate classification (germline): Uncertain significance. Review status: criteria provided, multiple submitters, no conflicts (2 of 4 stars). 3 submissions from 3 submitters: Uncertain significance (3). Last evaluated 2025-09-24.

Conditions:
Mitochondrial complex II deficiency, nuclear type 1. Also called: SUCCINATE CoQ REDUCTASE DEFICIENCY. Identifiers: Orphanet 3208, MedGen C5700310, MONDO:0100294, OMIM 252011.
Pheochromocytoma/paraganglioma syndrome 5. Also called: Paragangliomas 5; SDHA-Related Hereditary Paraganglioma-Pheochromocytoma Syndrome. Identifiers: Orphanet 29072, MedGen C3279992, MONDO:0013602, OMIM 614165.
Dilated cardiomyopathy 1GG (CMD1GG). Identifiers: Orphanet 154, MedGen C3150898, MONDO:0013339, OMIM 613642.
Hereditary cancer-predisposing syndrome. Also called: Neoplastic Syndromes, Hereditary; Hereditary Cancer Syndrome; Hereditary neoplastic syndrome; Tumor predisposition. Identifiers: Orphanet 140162, MedGen C0027672, MeSH D009386, MONDO:0015356.

Allele frequency attached by ClinVar (database versions not stated): gnomAD exomes below 0.00001 and 0.00001; gnomAD 0.00001; TOPMed 0.00001.
gnomAD v4.1: 5 of 1,613,698 alleles (0.00031%); highest among the groups gnomAD compares: East Asian, 0.0089%; no homozygotes.

Submissions (3):

Labcorp Genetics (formerly Invitae), Labcorp
Classification: Uncertain significance for Pheochromocytoma/paraganglioma syndrome 5; Mitochondrial complex II deficiency, nuclear type 1. Last evaluated: 2025-09-24. Review status: criteria provided, single submitter. Criteria: Invitae Variant Classification Sherloc (09022015). Collection method: clinical testing. Allele origin: germline.
Comment: This sequence change replaces threonine, which is neutral and polar, with isoleucine, which is neutral and non-polar, at codon 36 of the SDHA protein (p.Thr36Ile). This variant is present in population databases (no rsID available, gnomAD 0.01%). This variant has not been reported in the literature in individuals affected with SDHA-related conditions. ClinVar contains an entry for this variant (Variation ID: 486382). Invitae Evidence Modeling of protein sequence and biophysical properties (such as structural, functional, and spatial information, amino acid conservation, physicochemical variation, residue mobility, and thermodynamic stability) indicates that this missense variant is not expected to disrupt SDHA protein function with a negative predictive value of 95%. In summary, the available evidence is currently insufficient to determine the role of this variant in disease. Therefore, it has been classified as a Variant of Uncertain Significance.

Ambry Genetics
Classification: Uncertain significance for Hereditary cancer-predisposing syndrome. Last evaluated: 2025-05-21. Review status: criteria provided, single submitter. Criteria: Ambry Variant Classification Scheme 2023. Collection method: clinical testing. Allele origin: germline.
Comment: The p.T36I variant (also known as c.107C>T), located in coding exon 2 of the SDHA gene, results from a C to T substitution at nucleotide position 107. The threonine at codon 36 is replaced by isoleucine, an amino acid with similar properties. This amino acid position is not well conserved in available vertebrate species. In addition, this alteration is predicted to be tolerated by in silico analysis. Since supporting evidence is limited at this time, the clinical significance of this alteration remains unclear.

Baylor Genetics
Classification: Uncertain significance for Dilated cardiomyopathy 1GG. Last evaluated: 2023-07-23. Review status: criteria provided, single submitter. Criteria: ACMG Guidelines, 2015. Collection method: clinical testing. Allele origin: unknown.

NM_004168.4(SDHA):c.107C>T (p.Thr36Ile)

Gene: SDHA (succinate dehydrogenase complex flavoprotein subunit A; plus strand). Cytogenetic location: 5p15.33.
Variant type: single nucleotide variant.
Coding change: c.107C>T on transcript NM_004168.4 (MANE Select); coding-DNA position 107, C replaced by T.
Protein change: p.Thr36Ile; replaces threonine 36 with isoleucine.
Molecular consequence: missense variant.
Genome position (GRCh38, 1-based): chr5:223,525, C>T. VCF-style: chr5-223525-C-T. GRCh37 (hg19) VCF-style: chr5-223640-C-T.
Other names: c.107C>T, p.Thr36Ile (NM_001294332.2, NM_001330758.2); short protein forms T36I.
Identifiers: ClinVar variation 486382 (VCV000486382.18), dbSNP rs1440814662, ClinGen allele CA359008161.